The following is an entry in ClinVar:

ClinVar aggregate classification (germline): Uncertain significance. Review status: criteria provided, multiple submitters, no conflicts (2 of 4 stars). 2 submissions from 2 submitters: Uncertain significance (2). Last evaluated 2026-02-13.

Conditions:
Arrhythmogenic cardiomyopathy with wooly hair and keratoderma. Also called: PALMOPLANTAR KERATODERMA WITH LEFT VENTRICULAR CARDIOMYOPATHY AND WOOLLY HAIR; Dilated cardiomyopathy with woolly hair and keratoderma; Carvajal syndrome; Arrhythmogenic cardiomyopathy with woolly hair and keratoderma. Identifiers: Orphanet 65282, MedGen C1854063, MONDO:0011581, OMIM 605676.

Allele frequency attached by ClinVar (database versions not stated): gnomAD exomes below 0.00001.
gnomAD v4.1: 5 of 1,612,920 alleles (0.00031%); highest among the groups gnomAD compares: Non-Finnish European, 0.00025%; no homozygotes.

Submissions (2):

GeneDx
Classification: Uncertain significance. Last evaluated: 2026-02-13. Review status: criteria provided, single submitter. Criteria: GeneDx Variant Classification Process June 2021. Collection method: clinical testing. Allele origin: germline.
Comment: Not observed at significant frequency in large population cohorts (gnomAD); In silico analysis supports that this missense variant has a deleterious effect on protein structure/function; Has not been previously published as pathogenic or benign to our knowledge

All of Us Research Program, National Institutes of Health
Classification: Uncertain significance for Arrhythmogenic cardiomyopathy with wooly hair and keratoderma. Last evaluated: 2023-12-13. Review status: criteria provided, single submitter. Criteria: ACMG Guidelines, 2015. Collection method: clinical testing. Allele origin: germline. Inheritance: Autosomal dominant inheritance. Observed: 2 variant alleles, 2 heterozygotes.
Comment: This missense variant replaces lysine with threonine at codon 949 of the DSP protein. Computational prediction is inconclusive regarding the impact of this variant on protein structure and function (internally defined REVEL score threshold 0.5 < inconclusive < 0.7, PMID: 27666373). To our knowledge, functional studies have not been reported for this variant. This variant has not been reported in individuals affected with DSP-related disorders in the literature. This variant has not been identified in the general population by the Genome Aggregation Database (gnomAD). The available evidence is insufficient to determine the role of this variant in disease conclusively. Therefore, this variant is classified as a Variant of Uncertain Significance.

This study involves interpretation of variants in research participants for the purpose of population health screening. Participant phenotype was not available at the time of variant classification. Additional details can be found in publication PMID: 35346344, PMCID: PMC8962531

NM_004415.4(DSP):c.2846A>C (p.Lys949Thr)

Gene: DSP (desmoplakin; plus strand). Cytogenetic location: 6p24.3.
Variant type: single nucleotide variant.
Coding change: c.2846A>C on transcript NM_004415.4 (MANE Select); coding-DNA position 2846, A replaced by C.
Protein change: p.Lys949Thr; replaces lysine 949 with threonine.
Molecular consequence: missense variant.
Genome position (GRCh38, 1-based): chr6:7,577,011, A>C. VCF-style: chr6-7577011-A-C. GRCh37 (hg19) VCF-style: chr6-7577244-A-C.
Other names: c.2846A>C, p.Lys949Thr (NM_001008844.3, NM_001319034.2); short protein forms K949T.
Identifiers: ClinVar variation 3071899 (VCV003071899.2), dbSNP rs2533913974, ClinGen allele CA362682273.